The following is an entry in ClinVar:

NM_001127208.3(TET2):c.4393C>T (p.Arg1465Ter)

Genes: TET2 (tet methylcytosine dioxygenase 2; plus strand), TET2-AS1 (TET2 antisense RNA 1; minus strand). Cytogenetic location: 4q24.
Variant type: single nucleotide variant.
Coding change: c.4393C>T on transcript NM_001127208.3 (MANE Select); coding-DNA position 4393, C replaced by T.
Protein change: p.Arg1465Ter; replaces arginine 1465 with a stop codon.
Molecular consequence: nonsense.
Genome position (GRCh38, 1-based): chr4:105,272,774, C>T. VCF-style: chr4-105272774-C-T. GRCh37 (hg19) VCF-style: chr4-106193931-C-T.
Other names: short protein forms R1465*.
Identifiers: ClinVar variation 1899776 (VCV001899776.5), dbSNP rs1235228377, ClinGen allele CA357811683.
Genomic context (GRCh38, chr4:105,272,774, plus strand): 5'-CAGGTACTGAGTTCTTTTCGGCGAAAAGTCAGGATGTTAGCAGAGCCAGTCAAGACTTGC[C>T]GACAAAGGAAACTAGAAGCCAAGAAAGCTGCAGCTGAAAAGCTTTCCTCCCTGGAGAACA-3'

ClinVar aggregate classification (germline): Pathogenic (1 of 4 stars; one submission).

Allele frequency attached by ClinVar (database versions not stated): gnomAD exomes 0.00001; gnomAD 0.00002.
gnomAD v4.1: 20 of 1,551,360 alleles (0.0013%); highest among the groups gnomAD compares: East Asian, 0.0024%; no homozygotes.

Submission:

Labcorp Genetics (formerly Invitae), Labcorp
Classification: Pathogenic. Last evaluated: 2025-11-03. Review status: criteria provided, single submitter. Criteria: Invitae Variant Classification Sherloc (09022015). Collection method: clinical testing. Allele origin: germline.
Comment: This sequence change creates a premature translational stop signal (p.Arg1465*) in the TET2 gene. It is expected to result in an absent or disrupted protein product. Loss-of-function variants in TET2 are known to be pathogenic (PMID: 36066697). The frequency data for this variant in the population databases is considered unreliable, as metrics indicate poor data quality at this position in the gnomAD database. This premature translational stop signal has been observed in individual(s) with complex immunodeficiency (PMID: 35753512). ClinVar contains an entry for this variant (Variation ID: 1899776). Algorithms developed to predict the effect of sequence changes on RNA splicing suggest that this variant may disrupt the consensus splice site. For these reasons, this variant has been classified as Pathogenic.

Literature cited by the submitters: PubMed 36066697; PubMed 35753512.